The following is an entry in ClinVar:

NM_139276.3(STAT3):c.1907C>T (p.Ser636Phe)

Gene: STAT3 (signal transducer and activator of transcription 3; minus strand). Cytogenetic location: 17q21.2.
Variant type: single nucleotide variant.
Coding change: c.1907C>T on transcript NM_139276.3 (MANE Select); coding-DNA position 1907, C replaced by T.
Protein change: p.Ser636Phe; replaces serine 636 with phenylalanine.
Molecular consequence: missense variant.
Genome position (GRCh38, 1-based): chr17:42,322,476, G>A on the plus strand (C>T on the coding strand, the complement: STAT3 is on the minus strand). VCF-style: chr17-42322476-G-A. GRCh37 (hg19) VCF-style: chr17-40474494-G-A.
Other names: c.1907C>T, p.Ser636Phe (NM_001369513.1, NM_001369514.1, NM_001369516.1 and 9 more transcripts); c.1823C>T, p.Ser608Phe (NM_001384984.1); c.1829C>T, p.Ser610Phe (NM_001384985.1); c.1922C>T, p.Ser641Phe (NM_001384986.1, NM_001384990.1); c.1886C>T, p.Ser629Phe (NM_001384987.1); c.1811C>T, p.Ser604Phe (NM_001384989.1); c.1880C>T, p.Ser627Phe (NM_001384991.1); c.1847C>T, p.Ser616Phe (NM_001384992.1); short protein forms S610F, S627F, S636F, S604F, S608F, S629F, S616F, S641F.
Identifiers: ClinVar variation 2925614 (VCV002925614.3), dbSNP rs2144683812, ClinGen allele CA399582504.

ClinVar aggregate classification (germline): Pathogenic (1 of 4 stars; one submission).

Conditions:
Hyper-IgE recurrent infection syndrome 1, autosomal dominant. Also called: STAT3 Hyper IgE Syndrome; Hyper-IgE recurrent infection syndrome 1; JOB SYNDROME; HYPER-IgE SYNDROME 1, AUTOSOMAL DOMINANT, WITH RECURRENT INFECTIONS; Job's Syndrome. Identifiers: Orphanet 2314, MedGen C2936739, MONDO:0007818, OMIM 147060.
STAT3 gain of function. Identifiers: MedGen C4288261.

Submission:

Labcorp Genetics (formerly Invitae), Labcorp
Classification: Pathogenic for STAT3 gain of function; Hyper-IgE recurrent infection syndrome 1, autosomal dominant. Last evaluated: 2024-01-19. Review status: criteria provided, single submitter. Criteria: Invitae Variant Classification Sherloc (09022015). Collection method: clinical testing. Allele origin: germline.
Comment: This sequence change replaces serine, which is neutral and polar, with phenylalanine, which is neutral and non-polar, at codon 636 of the STAT3 protein (p.Ser636Phe). This variant is not present in population databases (gnomAD no frequency). This missense change has been observed in individuals with hyper IgE syndrome (PMID: 18602572, 21300911; Invitae). Advanced modeling of protein sequence and biophysical properties (such as structural, functional, and spatial information, amino acid conservation, physicochemical variation, residue mobility, and thermodynamic stability) performed at Invitae indicates that this missense variant is not expected to disrupt STAT3 protein function with a negative predictive value of 80%. Experimental studies have shown that this missense change affects STAT3 function (PMID: 18602572). This variant disrupts the p.Ser636 amino acid residue in STAT3. Other variant(s) that disrupt this residue have been determined to be pathogenic (PMID: 20159255, 28359783; Invitae). This suggests that this residue is clinically significant, and that variants that disrupt this residue are likely to be disease-causing. For these reasons, this variant has been classified as Pathogenic.

Literature cited by the submitters: PubMed 18602572; PubMed 21300911; PubMed 20159255; PubMed 28359783.